The following is an entry in ClinVar:

NM_001098511.3(KIF2A):c.1993G>T (p.Asp665Tyr)

Gene: KIF2A (kinesin family member 2A; plus strand). Cytogenetic location: 5q12.1.
Variant type: single nucleotide variant.
Coding change: c.1993G>T on transcript NM_001098511.3 (MANE Select); coding-DNA position 1993, G replaced by T.
Protein change: p.Asp665Tyr; replaces aspartic acid 665 with tyrosine.
Molecular consequence: missense variant.
Genome position (GRCh38, 1-based): chr5:62,377,742, G>T. VCF-style: chr5-62377742-G-T. GRCh37 (hg19) VCF-style: chr5-61673569-G-T.
Other names: c.1798G>T, p.Asp600Tyr (NM_001243952.2); c.1822G>T, p.Asp608Tyr (NM_001243953.2); c.1879G>T, p.Asp627Tyr (NM_004520.5); c.1993G>T (NM_001098511.2); short protein forms D600Y, D627Y, D665Y, D608Y.
Identifiers: ClinVar variation 2005739 (VCV002005739.7), dbSNP rs2531393831, ClinGen allele CA359821832.

ClinVar aggregate classification (germline): Conflicting classifications of pathogenicity. Review status: criteria provided, conflicting classifications (1 of 4 stars). 3 submissions from 3 submitters: Uncertain significance (2); Likely benign (1). Last evaluated 2025-01-15.

Conditions:
Inborn genetic diseases. Identifiers: MedGen C0950123, MeSH D030342.

Submissions (3):

Women's Health and Genetics/Laboratory Corporation of America, LabCorp
Classification: Uncertain significance. Last evaluated: 2025-01-15. Review status: criteria provided, single submitter. Criteria: LabCorp Variant Classification Summary - May 2015. Collection method: clinical testing. Allele origin: germline.
Comment: Variant summary: KIF2A c.1993G>T (p.Asp665Tyr) results in a non-conservative amino acid change in the encoded protein sequence. Three of five in-silico tools predict a benign effect of the variant on protein function. The variant was absent in 173222 control chromosomes (gnomAD). The available data on variant occurrences in the general population are insufficient to allow any conclusion about variant significance. To our knowledge, no occurrence of c.1993G>T in individuals affected with Complex Cortical Dysplasia With Other Brain Malformations 3 and no experimental evidence demonstrating its impact on protein function have been reported. ClinVar contains an entry for this variant (Variation ID: 2005739). Based on the evidence outlined above, the variant was classified as uncertain significance.

Ambry Genetics
Classification: Uncertain significance for Inborn genetic diseases. Last evaluated: 2023-11-29. Review status: criteria provided, single submitter. Criteria: Ambry Variant Classification Scheme 2023. Collection method: clinical testing. Allele origin: germline.

Labcorp Genetics (formerly Invitae), Labcorp
Classification: Likely benign. Last evaluated: 2023-05-22. Review status: criteria provided, single submitter. Criteria: Invitae Variant Classification Sherloc (09022015). Collection method: clinical testing. Allele origin: germline.